The following is an entry in ClinVar:

ClinVar aggregate classification (germline): Uncertain significance (1 of 4 stars; one submission).

Conditions:
Cardiovascular phenotype. Identifiers: MedGen CN230736.

Allele frequency attached by ClinVar (database versions not stated): gnomAD exomes below 0.00001.
gnomAD v4.1: 5 of 1,550,306 alleles (0.00032%); highest among the groups gnomAD compares: Admixed American, 0.0019%; no homozygotes.

Submission:

Ambry Genetics
Classification: Uncertain significance for Cardiovascular phenotype. Last evaluated: 2025-11-25. Review status: criteria provided, single submitter. Criteria: Ambry Variant Classification Scheme 2023. Collection method: clinical testing. Allele origin: germline.
Comment: The p.R380C variant (also known as c.1138C>T), located in coding exon 2 of the TNXB gene, results from a C to T substitution at nucleotide position 1138. The arginine at codon 380 is replaced by cysteine, an amino acid with highly dissimilar properties. This amino acid position is conserved. In addition, this alteration is predicted to be tolerated by in silico analysis. Since supporting evidence is limited at this time, the clinical significance of this alteration remains unclear.

NM_001365276.2(TNXB):c.1138C>T (p.Arg380Cys)

Gene: TNXB (tenascin XB; minus strand). Cytogenetic location: 6p21.33.
Variant type: single nucleotide variant.
Coding change: c.1138C>T on transcript NM_001365276.2 (MANE Select); coding-DNA position 1138, C replaced by T.
Protein change: p.Arg380Cys; replaces arginine 380 with cysteine.
Molecular consequence: missense variant.
Genome position (GRCh38, 1-based): chr6:32,096,715, G>A on the plus strand (C>T on the coding strand, the complement: TNXB is on the minus strand). VCF-style: chr6-32096715-G-A. GRCh37 (hg19) VCF-style: chr6-32064492-G-A.
Other names: c.1138C>T, p.Arg380Cys (NM_019105.8); short protein forms R380C.
Identifiers: ClinVar variation 1730343 (VCV001730343.3), dbSNP rs2483761068, ClinGen allele CA363483488.